The following is an entry in ClinVar:

NM_133433.4(NIPBL):c.4643+209A>G

Gene: NIPBL (NIPBL cohesin loading factor; plus strand). Cytogenetic location: 5p13.2.
Variant type: single nucleotide variant.
Coding change: c.4643+209A>G on transcript NM_133433.4 (MANE Select); 209 bases into the intron after coding-DNA position 4643, A replaced by G.
Molecular consequence: intron variant.
Genome position (GRCh38, 1-based): chr5:37,014,974, A>G. VCF-style: chr5-37014974-A-G. GRCh37 (hg19) VCF-style: chr5-37015076-A-G.
Other names: c.4643+209A>G (NM_001438586.1, NM_015384.5).
Identifiers: ClinVar variation 4852735 (VCV004852735.2).
Genomic context (GRCh38, chr5:37,014,974, plus strand): 5'-CAATTGGAGTATTAAAAATCTAAAATTGGGATGGGACTACACGGGGGAAAAAAATCTAAA[A>G]TTTTGTGAATTTGCTTATATGTTAGACTCCAGAAATTAAAGTACTAGATTGAAATTCTGT-3'

ClinVar aggregate classification (germline): Likely benign (1 of 4 stars; one submission).

Submission:

Dasa
Classification: Likely benign. Last evaluated: 2026-01-02. Review status: criteria provided, single submitter. Criteria: DASA Assertion Criteria. Collection method: clinical testing. Allele origin: germline.
Comment: NM_133433.4(NIPBL):c.4643+209A>G is an intronic variant. The variant context is inconsistent with a known disease-causing mechanism. Computational prediction algorithms are consistent with a benign effect. Therefore, based on the currently available evidence, this variant is classified as likely benign.